The following is an entry in ClinVar:

ClinVar aggregate classification (germline): Uncertain significance (1 of 4 stars; one submission).

Submission:

GeneDx
Classification: Uncertain significance. Last evaluated: 2024-09-26. Review status: criteria provided, single submitter. Criteria: GeneDx Variant Classification Process June 2021. Collection method: clinical testing. Allele origin: germline. Affected: yes.
Comment: Not observed at significant frequency in large population cohorts (gnomAD); In silico analysis supports that this missense variant has a deleterious effect on protein structure/function; Has not been previously published as pathogenic or benign to our knowledge

NM_001170629.2(CHD8):c.4733T>C (p.Leu1578Pro)

Gene: CHD8 (chromodomain helicase DNA binding protein 8; minus strand). Cytogenetic location: 14q11.2.
Variant type: single nucleotide variant.
Coding change: c.4733T>C on transcript NM_001170629.2 (MANE Select); coding-DNA position 4733, T replaced by C.
Protein change: p.Leu1578Pro; replaces leucine 1578 with proline.
Molecular consequence: missense variant.
Genome position (GRCh38, 1-based): chr14:21,400,065, A>G on the plus strand (T>C on the coding strand, the complement: CHD8 is on the minus strand). VCF-style: chr14-21400065-A-G. GRCh37 (hg19) VCF-style: chr14-21868224-A-G.
Other names: c.3896T>C, p.Leu1299Pro (NM_020920.4); short protein forms L1299P, L1578P.
Identifiers: ClinVar variation 3774999 (VCV003774999.1).
Genomic context (GRCh38, chr14:21,400,065, plus strand): 5'-TTTTCTGCTTGGTCTCCAATAACCTCCTGCCTCAGGTAGTATAGCATTCGTACCCGCAAC[A>G]GTACCCTAGAAAGGACAGAGGAAGAGCTGGCTCAGTAACACTGTAGAAGTTTGAGGTGGA-3'
Protein context (NP_001164100.1, residues 1568-1588): KHLKHQCNKV[Leu1578Pro]LRVRMLYYLR